The following is an entry in ClinVar:

ClinVar aggregate classification (germline): Uncertain significance (1 of 4 stars; one submission).

gnomAD v4.1: 2 of 1,614,130 alleles (0.00012%); highest among the groups gnomAD compares: Admixed American, 0.0017%; no homozygotes.

Submission:

CeGaT Center for Human Genetics Tuebingen
Classification: Uncertain significance. Last evaluated: 2026-06-01. Review status: criteria provided, single submitter. Criteria: CeGaT Center For Human Genetics Tuebingen Variant Classification Criteria Version 2. Collection method: clinical testing. Allele origin: germline. Affected: yes. Observed: 1 variant allele.
Comment: MTOR: PM2:Supporting, PP3

NM_004958.4(MTOR):c.2686C>T (p.Pro896Ser)

Gene: MTOR (mechanistic target of rapamycin kinase; minus strand). Cytogenetic location: 1p36.22.
Variant type: single nucleotide variant.
Coding change: c.2686C>T on transcript NM_004958.4 (MANE Select); coding-DNA position 2686, C replaced by T.
Protein change: p.Pro896Ser; replaces proline 896 with serine.
Molecular consequence: missense variant.
Genome position (GRCh38, 1-based): chr1:11,231,018, G>A on the plus strand (C>T on the coding strand, the complement: MTOR is on the minus strand). VCF-style: chr1-11231018-G-A. GRCh37 (hg19) VCF-style: chr1-11291075-G-A.
Other names: c.2686C>T, p.Pro896Ser (NM_001386500.1); c.1438C>T, p.Pro480Ser (NM_001386501.1); short protein forms P480S, P896S.
Identifiers: ClinVar variation 4872448 (VCV004872448.2).